The following is an entry in ClinVar:

NM_012330.4(KAT6B):c.3465A>G (p.Val1155=)

Gene: KAT6B (lysine acetyltransferase 6B; plus strand). Cytogenetic location: 10q22.2.
Variant type: single nucleotide variant.
Coding change: c.3465A>G on transcript NM_012330.4 (MANE Select); coding-DNA position 3465, A replaced by G.
Protein change: p.Val1155=; no amino-acid change (valine 1155 retained).
Molecular consequence: synonymous variant.
Genome position (GRCh38, 1-based): chr10:75,025,050, A>G. VCF-style: chr10-75025050-A-G. GRCh37 (hg19) VCF-style: chr10-76784808-A-G.
Other names: c.2916A>G, p.Val972= (NM_001256468.2, NM_001370138.1); c.2589A>G, p.Val863= (NM_001256469.2, NM_001370139.1, NM_001370140.1 and 2 more transcripts); c.2427A>G, p.Val809= (NM_001370132.1); c.1776A>G, p.Val592= (NM_001370133.1); c.1380A>G, p.Val460= (NM_001370134.1); c.1122A>G, p.Val374= (NM_001370135.1); c.3465A>G, p.Val1155= (NM_001370136.1, NM_001370137.1); c.2400A>G, p.Val800= (NM_001370143.1, NM_001370144.1).
Identifiers: ClinVar variation 2044195 (VCV002044195.26), dbSNP rs749374416, ClinGen allele CA5564835.

ClinVar aggregate classification (germline): Likely benign. Review status: criteria provided, multiple submitters, no conflicts (2 of 4 stars). 2 submissions from 2 submitters: Likely benign (2). Last evaluated 2025-09-30.

Conditions:
Genitopatellar syndrome (GTPTS). Also called: Genitopatellar syndrome (GPS); ABSENT PATELLAE, SCROTAL HYPOPLASIA, RENAL ANOMALIES, FACIAL DYSMORPHISM, AND MENTAL RETARDATION. Identifiers: Orphanet 85201, MedGen C1853566, MONDO:0011640, OMIM 606170.

Allele frequency attached by ClinVar (database versions not stated): ExAC 0.00002; gnomAD exomes 0.00002 and 0.00003; gnomAD 0.00003; TOPMed 0.00003 and 0.00005.
gnomAD v4.1: 55 of 1,614,124 alleles (0.0034%); highest among the groups gnomAD compares: Middle Eastern, 0.033%; no homozygotes.

Submissions (2):

Labcorp Genetics (formerly Invitae), Labcorp
Classification: Likely benign for Genitopatellar syndrome. Last evaluated: 2025-09-30. Review status: criteria provided, single submitter. Criteria: Invitae Variant Classification Sherloc (09022015). Collection method: clinical testing. Allele origin: germline.

CeGaT Center for Human Genetics Tuebingen
Classification: Likely benign. Last evaluated: 2024-01-01. Review status: criteria provided, single submitter. Criteria: CeGaT Center For Human Genetics Tuebingen Variant Classification Criteria Version 2. Collection method: clinical testing. Allele origin: germline. Affected: yes. Observed: 1 variant allele.
Comment: KAT6B: BP4, BP7